The following is an entry in ClinVar:

ClinVar aggregate classification (germline): Likely benign. Review status: criteria provided, multiple submitters, no conflicts (2 of 4 stars). 3 submissions from 3 submitters: Likely benign (3). Last evaluated 2024-02-06.

Conditions:
Cardiovascular phenotype. Identifiers: MedGen CN230736.
Arrhythmogenic right ventricular dysplasia 5. Also called: Arrhythmogenic Right Ventricular Dysplasia/Cardiomyopathy 5; ARRHYTHMOGENIC RIGHT VENTRICULAR DYSPLASIA, FAMILIAL, 5. Identifiers: MedGen C1858379, MONDO:0011459, OMIM 604400.

Submissions (3):

Labcorp Genetics (formerly Invitae), Labcorp
Classification: Likely benign for Arrhythmogenic right ventricular dysplasia 5. Last evaluated: 2024-02-06. Review status: criteria provided, single submitter. Criteria: Invitae Variant Classification Sherloc (09022015). Collection method: clinical testing. Allele origin: germline.

Ambry Genetics
Classification: Likely benign for Cardiovascular phenotype. Last evaluated: 2023-12-31. Review status: criteria provided, single submitter. Criteria: Ambry Variant Classification Scheme 2023. Collection method: clinical testing. Allele origin: germline.

All of Us Research Program, National Institutes of Health
Classification: Likely benign for Arrhythmogenic right ventricular dysplasia 5. Last evaluated: 2022-11-30. Review status: criteria provided, single submitter. Criteria: ACMG Guidelines, 2015. Collection method: clinical testing. Allele origin: germline. Inheritance: Autosomal dominant inheritance. Observed: 1 variant allele, 1 heterozygote.
Comment: This study involves interpretation of variants in research participants for the purpose of population health screening. Participant phenotype was not available at the time of variant classification. Additional details can be found in publication PMID: 35346344, PMCID: PMC8962531

NM_024334.3(TMEM43):c.549C>G (p.Pro183=)

Gene: TMEM43 (transmembrane protein 43; plus strand). Cytogenetic location: 3p25.1.
Variant type: single nucleotide variant.
Coding change: c.549C>G on transcript NM_024334.3 (MANE Select); coding-DNA position 549, C replaced by G.
Protein change: p.Pro183=; no amino-acid change (proline 183 retained).
Molecular consequence: synonymous variant.
Genome position (GRCh38, 1-based): chr3:14,133,775, C>G. VCF-style: chr3-14133775-C-G. GRCh37 (hg19) VCF-style: chr3-14175275-C-G.
Other names: c.552C>G, p.Pro184= (NM_001407274.1); c.549C>G, p.Pro183= (NM_001407275.1, NM_001407276.1, NM_001407277.1 and 1 more transcripts); c.534C>G, p.Pro178= (NM_001407278.1); c.399C>G, p.Pro133= (NM_001407280.1).
Identifiers: ClinVar variation 2784233 (VCV002784233.5), dbSNP rs1351318637, ClinGen allele CA432551592.